The following is an entry in ClinVar:

ClinVar aggregate classification (germline): Uncertain significance (1 of 4 stars; one submission).

Allele frequency attached by ClinVar (database versions not stated): TOPMed 0.00001.
gnomAD v4.1: 1 of 1,603,896 alleles (0.000062%); no homozygotes.

Submission:

Labcorp Genetics (formerly Invitae), Labcorp
Classification: Uncertain significance. Last evaluated: 2022-04-08. Review status: criteria provided, single submitter. Criteria: Invitae Variant Classification Sherloc (09022015). Collection method: clinical testing. Allele origin: germline.
Comment: This variant is not present in population databases (gnomAD no frequency). In summary, the available evidence is currently insufficient to determine the role of this variant in disease. Therefore, it has been classified as a Variant of Uncertain Significance. Algorithms developed to predict the effect of missense changes on protein structure and function are either unavailable or do not agree on the potential impact of this missense change (SIFT: "Not Available"; PolyPhen-2: "Benign"; Align-GVGD: "Not Available"). This variant has not been reported in the literature in individuals affected with MYO18B-related conditions. This sequence change replaces valine, which is neutral and non-polar, with glycine, which is neutral and non-polar, at codon 2305 of the MYO18B protein (p.Val2305Gly).

NM_032608.7(MYO18B):c.6914T>G (p.Val2305Gly)

Gene: MYO18B (myosin XVIIIB; plus strand). Cytogenetic location: 22q12.1.
Variant type: single nucleotide variant.
Coding change: c.6914T>G on transcript NM_032608.7 (MANE Select); coding-DNA position 6914, T replaced by G.
Protein change: p.Val2305Gly; replaces valine 2305 with glycine.
Molecular consequence: missense variant.
Genome position (GRCh38, 1-based): chr22:26,026,888, T>G. VCF-style: chr22-26026888-T-G. GRCh37 (hg19) VCF-style: chr22-26422854-T-G.
Other names: c.6917T>G, p.Val2306Gly (NM_001318245.2); short protein forms V2306G, V2305G.
Identifiers: ClinVar variation 1931853 (VCV001931853.5), dbSNP rs267606201, ClinGen allele CA411011359.